The following is an entry in ClinVar:

ClinVar aggregate classification (germline): Uncertain significance (1 of 4 stars; one submission).

Conditions:
Inborn genetic diseases. Identifiers: MedGen C0950123, MeSH D030342.

gnomAD v4.1: 33 of 1,515,388 alleles (0.0022%); highest among the groups gnomAD compares: Non-Finnish European, 0.0028%; no homozygotes.

Submission:

Ambry Genetics
Classification: Uncertain significance for Inborn genetic diseases. Last evaluated: 2025-04-11. Review status: criteria provided, single submitter. Criteria: Ambry Variant Classification Scheme 2023. Collection method: clinical testing. Allele origin: germline.
Comment: The p.R688G variant (also known as c.2062A>G), located in coding exon 14 of the ERCC6L2 gene, results from an A to G substitution at nucleotide position 2062. The arginine at codon 688 is replaced by glycine, an amino acid with dissimilar properties. This amino acid position is conserved. In addition, the in silico prediction for this alteration is inconclusive. Based on the available evidence, the clinical significance of this variant remains unclear.

NM_020207.7(ERCC6L2):c.2062A>G (p.Arg688Gly)

Gene: ERCC6L2 (ERCC excision repair 6 like 2; plus strand). Cytogenetic location: 9q22.32.
Variant type: single nucleotide variant.
Coding change: c.2062A>G on transcript NM_020207.7 (MANE Select); coding-DNA position 2062, A replaced by G.
Protein change: p.Arg688Gly; replaces arginine 688 with glycine.
Molecular consequence: missense variant. On other transcripts: non-coding transcript variant (1).
Genome position (GRCh38, 1-based): chr9:95,966,676, A>G. VCF-style: chr9-95966676-A-G. GRCh37 (hg19) VCF-style: chr9-98728958-A-G.
Other names: c.2062A>G, p.Arg688Gly (NM_001010895.4, NM_001375291.1, NM_001375292.1 and 2 more transcripts); short protein forms R688G.
Identifiers: ClinVar variation 4019305 (VCV004019305.1).